The following is an entry in ClinVar:

NM_144687.4(NLRP12):c.1024A>T (p.Thr342Ser)

Gene: NLRP12 (NLR family pyrin domain containing 12; minus strand). Cytogenetic location: 19q13.42.
Variant type: single nucleotide variant.
Coding change: c.1024A>T on transcript NM_144687.4 (MANE Select); coding-DNA position 1024, A replaced by T.
Protein change: p.Thr342Ser; replaces threonine 342 with serine.
Molecular consequence: missense variant.
Genome position (GRCh38, 1-based): chr19:53,810,635, T>A on the plus strand (A>T on the coding strand, the complement: NLRP12 is on the minus strand). VCF-style: chr19-53810635-T-A. GRCh37 (hg19) VCF-style: chr19-54313889-T-A.
Other names: c.1024A>T, p.Thr342Ser (NM_001277126.2, NM_001277129.1); short protein forms T342S.
Identifiers: ClinVar variation 3017658 (VCV003017658.3), dbSNP rs762797155, ClinGen allele CA9639540.

ClinVar aggregate classification (germline): Uncertain significance (1 of 4 stars; one submission).

Conditions:
Familial cold autoinflammatory syndrome 2 (FCAS2). Identifiers: Orphanet 247868, MedGen C2673198, MONDO:0012724, OMIM 611762.

Allele frequency attached by ClinVar (database versions not stated): ExAC 0.00002; gnomAD exomes 0.00002; TOPMed 0.00006; gnomAD 0.00011.
gnomAD v4.1: 29 of 1,613,978 alleles (0.0018%); highest among the groups gnomAD compares: Admixed American, 0.048%; no homozygotes.

Submission:

Labcorp Genetics (formerly Invitae), Labcorp
Classification: Uncertain significance for Familial cold autoinflammatory syndrome 2. Last evaluated: 2025-08-21. Review status: criteria provided, single submitter. Criteria: Invitae Variant Classification Sherloc (09022015). Collection method: clinical testing. Allele origin: germline.
Comment: This sequence change replaces threonine, which is neutral and polar, with serine, which is neutral and polar, at codon 342 of the NLRP12 protein (p.Thr342Ser). This variant is present in population databases (rs762797155, gnomAD 0.04%), and has an allele count higher than expected for a pathogenic variant. This variant has not been reported in the literature in individuals affected with NLRP12-related conditions. ClinVar contains an entry for this variant (Variation ID: 3017658). Invitae Evidence Modeling of protein sequence and biophysical properties (such as structural, functional, and spatial information, amino acid conservation, physicochemical variation, residue mobility, and thermodynamic stability) indicates that this missense variant is not expected to disrupt NLRP12 protein function with a negative predictive value of 80%. In summary, the available evidence is currently insufficient to determine the role of this variant in disease. Therefore, it has been classified as a Variant of Uncertain Significance.